The following is an entry in ClinVar:

ClinVar aggregate classification (germline): Uncertain significance. Review status: criteria provided, multiple submitters, no conflicts (2 of 4 stars). 2 submissions from 2 submitters: Uncertain significance (2). Last evaluated 2021-04-23.

Allele frequency attached by ClinVar (database versions not stated): gnomAD exomes 0.00001 and 0.00002; ExAC 0.00002; gnomAD 0.00002; TOPMed 0.00002; ESP Exome Variant Server 0.00008.
gnomAD v4.1: 19 of 1,613,890 alleles (0.0012%); highest among the groups gnomAD compares: Middle Eastern, 0.033%; no homozygotes.

Submissions (2):

Labcorp Genetics (formerly Invitae), Labcorp
Classification: Uncertain significance. Last evaluated: 2021-04-23. Review status: criteria provided, single submitter. Criteria: Invitae Variant Classification Sherloc (09022015). Collection method: clinical testing. Allele origin: germline.
Comment: Algorithms developed to predict the effect of missense changes on protein structure and function are either unavailable or do not agree on the potential impact of this missense change (SIFT: "Not Available"; PolyPhen-2: "Benign"; Align-GVGD: "Not Available"). This variant has been observed in individual(s) with clinical features of focal segmental glomerulosclerosis (Invitae). This variant is present in population databases (rs376694630, ExAC 0.005%). This sequence change replaces arginine with glutamine at codon 439 of the ACTN4 protein (p.Arg439Gln). The arginine residue is moderately conserved and there is a small physicochemical difference between arginine and glutamine. In summary, the available evidence is currently insufficient to determine the role of this variant in disease. Therefore, it has been classified as a Variant of Uncertain Significance.

Breakthrough Genomics
Classification: Uncertain significance. Review status: criteria provided, single submitter. Criteria: ACMG Guidelines, 2015. Collection method: not provided. Allele origin: germline. Inheritance: Autosomal dominant inheritance. Affected: yes.

NM_004924.6(ACTN4):c.1316G>A (p.Arg439Gln)

Gene: ACTN4 (actinin alpha 4; plus strand). Cytogenetic location: 19q13.2.
Variant type: single nucleotide variant.
Coding change: c.1316G>A on transcript NM_004924.6 (MANE Select); coding-DNA position 1316, G replaced by A.
Protein change: p.Arg439Gln; replaces arginine 439 with glutamine.
Molecular consequence: missense variant.
Genome position (GRCh38, 1-based): chr19:38,721,562, G>A. VCF-style: chr19-38721562-G-A. GRCh37 (hg19) VCF-style: chr19-39212202-G-A.
Other names: c.1316G>A, p.Arg439Gln (NM_001322033.2); short protein forms R439Q.
Identifiers: ClinVar variation 1516969 (VCV001516969.7), dbSNP rs376694630, ClinGen allele CA9417606.